The following is an entry in ClinVar:

ClinVar aggregate classification (germline): Uncertain significance. Review status: criteria provided, multiple submitters, no conflicts (2 of 4 stars). 3 submissions from 3 submitters: Uncertain significance (3). Last evaluated 2024-03-07.

Conditions:
Familial thoracic aortic aneurysm and aortic dissection (TAAD). Also called: Thoracic aortic aneurysms and dissections. Identifiers: Orphanet 91387, MedGen C4707243, MONDO:0019625.
Ehlers-Danlos syndrome, type 4 (EDSVASC). Also called: Ehlers-Danlos syndrome vascular type; Ehlers Danlos syndrome, ecchymotic type; Ehlers Danlos syndrome, arterial type; Ehlers Danlos syndrome, Sack-Barabas type; Ehlers-Danlos Syndrome Type IV. Identifiers: Orphanet 286, MedGen C0268338, MONDO:0017314, OMIM 130050.

Allele frequency attached by ClinVar (database versions not stated): gnomAD exomes below 0.00001.
gnomAD v4.1: 1 of 1,613,262 alleles (0.000062%); highest among the groups gnomAD compares: Non-Finnish European, 0.000085%; no homozygotes.

Submissions (3):

Color Diagnostics, LLC DBA Color Health
Classification: Uncertain significance for Familial thoracic aortic aneurysm and aortic dissection. Last evaluated: 2024-03-07. Review status: criteria provided, single submitter. Criteria: ACMG Guidelines, 2015. Collection method: clinical testing. Allele origin: germline.
Comment: This missense variant replaces isoleucine with valine at codon 65 of the COL3A1 protein. Computational prediction suggests that this variant may not impact protein structure and function (internally defined REVEL score threshold <= 0.5, PMID: 27666373). To our knowledge, functional studies have not been reported for this variant. This variant has not been reported in individuals affected with cardiovascular disorders in the literature. This variant has been identified in 1/250790 chromosomes in the general population by the Genome Aggregation Database (gnomAD). The available evidence is insufficient to determine the role of this variant in disease conclusively. Therefore, this variant is classified as a Variant of Uncertain Significance.

Clinical Genetics Laboratory, Skane University Hospital Lund
Classification: Uncertain significance. Last evaluated: 2023-08-24. Review status: criteria provided, single submitter. Criteria: ACMG Guidelines, 2015. Collection method: clinical testing. Allele origin: germline. Affected: yes.

Labcorp Genetics (formerly Invitae), Labcorp
Classification: Uncertain significance for Ehlers-Danlos syndrome, type 4. Last evaluated: 2022-06-03. Review status: criteria provided, single submitter. Criteria: Invitae Variant Classification Sherloc (09022015). Collection method: clinical testing. Allele origin: germline.
Comment: Algorithms developed to predict the effect of sequence changes on RNA splicing suggest that this variant may create or strengthen a splice site. Advanced modeling of protein sequence and biophysical properties (such as structural, functional, and spatial information, amino acid conservation, physicochemical variation, residue mobility, and thermodynamic stability) performed at Invitae indicates that this missense variant is not expected to disrupt COL3A1 protein function. ClinVar contains an entry for this variant (Variation ID: 954889). This variant has not been reported in the literature in individuals affected with COL3A1-related conditions. This variant is present in population databases (no rsID available, gnomAD 0.0009%). This sequence change replaces isoleucine, which is neutral and non-polar, with valine, which is neutral and non-polar, at codon 65 of the COL3A1 protein (p.Ile65Val). In summary, the available evidence is currently insufficient to determine the role of this variant in disease. Therefore, it has been classified as a Variant of Uncertain Significance.

NM_000090.4(COL3A1):c.193A>G (p.Ile65Val)

Gene: COL3A1 (collagen type III alpha 1 chain; plus strand). Cytogenetic location: 2q32.2.
Variant type: single nucleotide variant.
Coding change: c.193A>G on transcript NM_000090.4 (MANE Select); coding-DNA position 193, A replaced by G.
Protein change: p.Ile65Val; replaces isoleucine 65 with valine.
Molecular consequence: missense variant.
Genome position (GRCh38, 1-based): chr2:188,984,873, A>G. VCF-style: chr2-188984873-A-G. GRCh37 (hg19) VCF-style: chr2-189849599-A-G.
Other names: short protein forms I65V.
Identifiers: ClinVar variation 954889 (VCV000954889.14), dbSNP rs1440480352, ClinGen allele CA349847164.